The following is an entry in ClinVar:

ClinVar aggregate classification (germline): Uncertain significance (1 of 4 stars; one submission).

Allele frequency attached by ClinVar (database versions not stated): gnomAD 0.00001; gnomAD exomes 0.00001 and 0.00002.

Submission:

Labcorp Genetics (formerly Invitae), Labcorp
Classification: Uncertain significance. Last evaluated: 2022-09-27. Review status: criteria provided, single submitter. Criteria: Invitae Variant Classification Sherloc (09022015). Collection method: clinical testing. Allele origin: germline.
Comment: ClinVar contains an entry for this variant (Variation ID: 1681990). This variant has not been reported in the literature in individuals affected with ADSSL1-related conditions. This variant is present in population databases (no rsID available, gnomAD 0.006%). This sequence change replaces arginine with histidine at codon 368 of the ADSSL1 protein (p.Arg368His). There is a small physicochemical difference between arginine and histidine. Algorithms developed to predict the effect of missense changes on protein structure and function are either unavailable or do not agree on the potential impact of this missense change (SIFT: "Not Available"; PolyPhen-2: "Possibly Damaging"; Align-GVGD: "Not Available"). In summary, the available evidence is currently insufficient to determine the role of this variant in disease. Therefore, it has been classified as a Variant of Uncertain Significance.

NM_152328.5(ADSS1):c.974G>A (p.Arg325His)

Gene: ADSS1 (adenylosuccinate synthase 1; plus strand). Cytogenetic location: 14q32.33.
Variant type: single nucleotide variant.
Coding change: c.974G>A on transcript NM_152328.5 (MANE Select); coding-DNA position 974, G replaced by A.
Protein change: p.Arg325His; replaces arginine 325 with histidine.
Molecular consequence: missense variant.
Genome position (GRCh38, 1-based): chr14:104,743,092, G>A. VCF-style: chr14-104743092-G-A. GRCh37 (hg19) VCF-style: chr14-105209429-G-A.
Other names: c.359G>A, p.Arg120His (NM_001320424.1); c.1103G>A, p.Arg368His (NM_199165.2); short protein forms R120H, R325H, R368H.
Identifiers: ClinVar variation 1681990 (VCV001681990.6), dbSNP rs999498738, ClinGen allele CA267337239.